The following is an entry in ClinVar:

ClinVar aggregate classification (germline): not provided (0 of 4 stars; one submission).

Allele frequency attached by ClinVar (database versions not stated): gnomAD exomes below 0.00001; TOPMed 0.00001.

Submission:

ITMI
No classification provided. Condition: AllHighlyPenetrant. Last evaluated: 2013-09-19. Review status: no classification provided. Collection method: reference population. Allele origin: germline.
Comment: Please see associated publication for description of ethnicities

Literature cited by the submitters: PubMed 24728327.

NM_000400.4(ERCC2):c.2263C>T (p.Gln755Ter)

Gene: ERCC2 (ERCC excision repair 2, TFIIH core complex helicase subunit; minus strand). Cytogenetic location: 19q13.32.
Variant type: single nucleotide variant.
Coding change: c.2263C>T on transcript NM_000400.4 (MANE Select); coding-DNA position 2263, C replaced by T.
Protein change: p.Gln755Ter; replaces glutamine 755 with a stop codon.
Molecular consequence: nonsense.
Genome position (GRCh38, 1-based): chr19:45,351,649, G>A on the plus strand (C>T on the coding strand, the complement: ERCC2 is on the minus strand). VCF-style: chr19-45351649-G-A. GRCh37 (hg19) VCF-style: chr19-45854907-G-A.
Other names: short protein forms Q755*.
Identifiers: ClinVar variation 134106 (VCV000134106.1), dbSNP rs587778272, ClinGen allele CA158785.
Genomic context (GRCh38, chr19:45,351,649, plus strand): 5'-AGGAGTCACCAGGAACCGTTTATGGCCCCACCCGCCCCACTCAGAGCTGCTGAGCAATCT[G>A]CTCTATCCTCTTCAGCGTCTCCTCTGATTCTAGCTGCTCCAGGCTGAGCAGGGACAGGCC-3'